The following is an entry in ClinVar:

NM_000465.4(BARD1):c.14G>A (p.Arg5Gln)

Gene: BARD1 (BRCA1 associated RING domain 1; minus strand). Cytogenetic location: 2q35.
Variant type: single nucleotide variant.
Coding change: c.14G>A on transcript NM_000465.4 (MANE Select); coding-DNA position 14, G replaced by A.
Protein change: p.Arg5Gln; replaces arginine 5 with glutamine.
Molecular consequence: missense variant. On other transcripts: non-coding transcript variant (3).
Genome position (GRCh38, 1-based): chr2:214,809,556, C>T on the plus strand (G>A on the coding strand, the complement: BARD1 is on the minus strand). VCF-style: chr2-214809556-C-T. GRCh37 (hg19) VCF-style: chr2-215674280-C-T.
Other names: c.14G>A, p.Arg5Gln (NM_001282543.2, NM_001282545.2, NM_001282548.2 and 1 more transcripts); short protein forms R5Q.
Identifiers: ClinVar variation 628273 (VCV000628273.5), dbSNP rs587782499, ClinGen allele CA350465470.
Genomic context (GRCh38, chr2:214,809,556, plus strand): 5'-GCGGGCGCGGAACGAGGCTCGTTCCCGGAGCGGATCCTCGGCTGCCGGTTCCTCGGCTGC[C>T]GATTATCCGGCATCGTCCCGCCTTCGGATGAAAGGCTCCTCGCAGAGCGGGAAGCAAGGA-3'
Protein context (NP_000456.2, residues 1-15): MPDN[Arg5Gln]QPRNRQPRIR

ClinVar aggregate classification (germline): Uncertain significance (1 of 4 stars; one submission).

Conditions:
Hereditary cancer-predisposing syndrome. Also called: Neoplastic Syndromes, Hereditary; Tumor predisposition; Hereditary neoplastic syndrome; Hereditary Cancer Syndrome. Identifiers: Orphanet 140162, MedGen C0027672, MeSH D009386, MONDO:0015356.

Submission:

Color Diagnostics, LLC DBA Color Health
Classification: Uncertain significance for Hereditary cancer-predisposing syndrome. Last evaluated: 2023-12-05. Review status: criteria provided, single submitter. Criteria: ACMG Guidelines, 2015. Collection method: clinical testing. Allele origin: germline.
Comment: This missense variant replaces arginine with glutamine at codon 5 of the BARD1 protein. Computational prediction suggests that this variant may not impact protein structure and function (internally defined REVEL score threshold <= 0.5, PMID: 27666373). To our knowledge, functional studies have not been reported for this variant. This variant has not been reported in individuals affected with BARD1-related disorders in the literature. This variant has not been identified in the general population by the Genome Aggregation Database (gnomAD). The available evidence is insufficient to determine the role of this variant in disease conclusively. Therefore, this variant is classified as a Variant of Uncertain Significance.